The following is an entry in ClinVar:

NM_000271.5(NPC1):c.1554-1009G>A

Gene: NPC1 (NPC intracellular cholesterol transporter 1; minus strand). Cytogenetic location: 18q11.2.
Variant type: single nucleotide variant.
Coding change: c.1554-1009G>A on transcript NM_000271.5 (MANE Select); 1009 bases into the intron before coding-DNA position 1554, G replaced by A.
Molecular consequence: intron variant.
Genome position (GRCh38, 1-based): chr18:23,552,736, C>T on the plus strand (G>A on the coding strand, the complement: NPC1 is on the minus strand). VCF-style: chr18-23552736-C-T. GRCh37 (hg19) VCF-style: chr18-21132700-C-T.
Identifiers: ClinVar variation 553804 (VCV000553804.16), dbSNP rs1055204017, ClinGen allele CA297066458.

ClinVar aggregate classification (germline): Pathogenic. Review status: criteria provided, multiple submitters, no conflicts (2 of 4 stars). 5 submissions from 5 submitters: Pathogenic (3). 2 of the submissions do not count toward it. Last evaluated 2025-11-10.

Conditions:
NPC1-related disorder. Also called: NPC1-related condition.
Niemann-Pick disease, type C1. Also called: NEUROVISCERAL STORAGE DISEASE WITH VERTICAL SUPRANUCLEAR OPHTHALMOPLEGIA; NIEMANN-PICK DISEASE WITH CHOLESTEROL ESTERIFICATION BLOCK; NIEMANN-PICK DISEASE WITHOUT SPHINGOMYELINASE DEFICIENCY; NIEMANN-PICK DISEASE, CHRONIC NEURONOPATHIC FORM; NIEMANN-PICK DISEASE, VARIANT TYPE C1. Identifiers: Orphanet 646, MedGen C3179455, MONDO:0009757, OMIM 257220.

Allele frequency attached by ClinVar (database versions not stated): TOPMed 0.00001.
gnomAD v4.1: 2 of 152,206 alleles (0.0013%); highest among the groups gnomAD compares: African/African-American, 0.0024%; no homozygotes.

Submissions (5):

Natera, Inc.
Classification: Pathogenic for Niemann-Pick disease type C1. Last evaluated: 2025-11-10. Review status: criteria provided, single submitter. Criteria: Natera Variant Classification Schema (03/2026). Collection method: clinical testing. Allele origin: germline.
Comment: The c.1554-1009G>A variant in NPC1 is an intronic variant located outside the canonical splice sites. This variant is rare in the general population with a frequency below the threshold expected for the associated phenotype(s). This variant has been observed in one or more individuals affected with the associated recessive disease, as either homozygous or compound heterozygous with a second variant (PMID: 20718790). Given the available evidence, this variant is classified as Pathogenic.

Labcorp Genetics (formerly Invitae), Labcorp
Classification: Pathogenic for Niemann-Pick disease, type C1. Last evaluated: 2025-09-07. Review status: criteria provided, single submitter. Criteria: Invitae Variant Classification Sherloc (09022015). Collection method: clinical testing. Allele origin: germline.
Comment: This sequence change falls in intron 9 of the NPC1 gene. It does not directly change the encoded amino acid sequence of the NPC1 protein. RNA analysis indicates that this variant induces altered splicing and may result in an absent or altered protein product. This variant is not present in population databases (gnomAD no frequency). This variant has been observed in individual(s) with biochemical and clinical features of Niemann-Pick type C disease (PMID: 20718790, 23593294, 25425405, 28480683, 29453517). This variant is also known as IVS9–1009G>A. ClinVar contains an entry for this variant (Variation ID: 553804). Studies have shown that this variant results in inclusion of a pseudoexon, and produces a non-functional protein and/or introduces a premature termination codon (PMID: 19718781, 28167839). For these reasons, this variant has been classified as Pathogenic.

Fulgent Genetics
Classification: Pathogenic for Niemann-Pick disease, type C1. Last evaluated: 2018-10-31. Review status: criteria provided, single submitter. Criteria: ACMG Guidelines, 2015. Collection method: clinical testing. Allele origin: unknown.

PreventionGenetics, part of Exact Sciences
Classification: Pathogenic for NPC1-related condition. Last evaluated: 2024-07-10. Review status: no assertion criteria provided. Collection method: clinical testing. Allele origin: germline. Not counted in ClinVar's aggregate classification.
Comment: The NPC1 c.1554-1009G>A variant is predicted to interfere with splicing. This variant occurs within a deep intronic region and has been reported in the compound heterozygous state in patients with Niemann-Pick disease type C1 (Rodríguez-Pascau et al. 2009. PubMed ID: 19718781; Patients SEQ1 and 2 in Hastings et al. 2019. PubMed ID: 31639011; Zeiger et al. 2018. PubMed ID: 29453517). A functional study has shown that the c.1554-1009G>A variant promotes a pseudoexon insertion and interferes with normal splicing (Rodríguez-Pascau et al. 2009. PubMed ID: 19718781). This variant has not been reported in a large population database, indicating this variant is rare. In ClinVar, this variant has been interpreted as pathogenic or likely pathogenic by multiple laboratories. This variant is interpreted as pathogenic.

Counsyl
Classification: Likely pathogenic for Niemann-Pick disease, type C1. Last evaluated: 2017-09-13. Review status: no assertion criteria provided. Collection method: clinical testing. Allele origin: unknown. Not counted in ClinVar's aggregate classification.

Literature cited by the submitters: PubMed 20718790 (cited by 3 submitters); PubMed 23593294 (cited by Labcorp Genetics (formerly Invitae), Labcorp and Counsyl); PubMed 25425405 (cited by Labcorp Genetics (formerly Invitae), Labcorp and Counsyl); PubMed 28480683 (cited by Labcorp Genetics (formerly Invitae), Labcorp); PubMed 29453517 (cited by Labcorp Genetics (formerly Invitae), Labcorp); PubMed 19718781 (cited by Labcorp Genetics (formerly Invitae), Labcorp and Counsyl); PubMed 28167839 (cited by Labcorp Genetics (formerly Invitae), Labcorp and Counsyl); PubMed 24506780 (cited by Counsyl); PubMed 26981555 (cited by Counsyl).